The following is an entry in ClinVar:

NM_178526.5(SLC25A42):c.457del (p.Asp153fs)

Gene: SLC25A42 (solute carrier family 25 member 42; plus strand). Cytogenetic location: 19p13.11.
Variant type: Deletion.
Coding change: c.457del on transcript NM_178526.5 (MANE Select); coding-DNA position 457, one base deleted (G; older notation c.457delG).
Protein change: p.Asp153fs; shifts the reading frame from aspartic acid 153.
Molecular consequence: frameshift variant.
Genome position (GRCh38, 1-based): chr19:19,106,345, G deleted; the last of 2 consecutive G bases (chr19:19,106,344-19,106,345); deleting either gives the same sequence. VCF-style (leftmost placement, unchanged base first): chr19-19106343-TG-T. GRCh37 (hg19) VCF-style: chr19-19217152-TG-T.
Other names: c.457del, p.Asp153fs (NM_001321544.2); short protein forms D153fs.
Identifiers: ClinVar variation 3639578 (VCV003639578.2).
Genomic context (GRCh38, chr19:19,106,343, plus strand): 5'-GGCCTCGCCTCTTCGCCGGCGCACTGGCTGGAACGACAGCCGCTTCACTGACCTACCCCC[TG>T]GACCTGGTCAGAGCGCGGATGGCCGTAACCCCGAAGGAAATGTGAGTCCTTACATCGGTG-3'

ClinVar aggregate classification (germline): Uncertain significance (1 of 4 stars; one submission).

Submission:

Labcorp Genetics (formerly Invitae), Labcorp
Classification: Uncertain significance. Last evaluated: 2024-02-14. Review status: criteria provided, single submitter. Criteria: Invitae Variant Classification Sherloc (09022015). Collection method: clinical testing. Allele origin: germline.
Comment: This sequence change creates a premature translational stop signal (p.Asp153Thrfs*9) in the SLC25A42 gene. It is expected to result in an absent or disrupted protein product. However, the current clinical and genetic evidence is not sufficient to establish whether loss-of-function variants in SLC25A42 cause disease. This variant is not present in population databases (gnomAD no frequency). This variant has not been reported in the literature in individuals affected with SLC25A42-related conditions. In summary, the available evidence is currently insufficient to determine the role of this variant in disease. Therefore, it has been classified as a Variant of Uncertain Significance.